The following is an entry in ClinVar:

NM_002691.4(POLD1):c.1138-3del

Gene: POLD1 (DNA polymerase delta 1, catalytic subunit; plus strand). Cytogenetic location: 19q13.33.
Variant type: Deletion.
Coding change: c.1138-3del on transcript NM_002691.4 (MANE Select); 3 bases into the intron before coding-DNA position 1138, one base deleted (C; older notation c.1138-3delC).
Molecular consequence: intron variant.
Genome position (GRCh38, 1-based): chr19:50,403,490, C deleted; the last of 5 consecutive C bases (chr19:50,403,486-50,403,490); deleting any one gives the same sequence. VCF-style (leftmost placement, unchanged base first): chr19-50403485-AC-A. GRCh37 (hg19) VCF-style: chr19-50906742-AC-A.
Other names: c.1138-3del (NM_001256849.1, NM_001308632.1).
Identifiers: ClinVar variation 3904175 (VCV003904175.1).

ClinVar aggregate classification (germline): Likely benign (1 of 4 stars; one submission).

Conditions:
POLD1-related polyposis and colorectal cancer syndrome (CRCS10). Also called: Colorectal cancer 10; COLORECTAL CANCER, SUSCEPTIBILITY TO, ON CHROMOSOME 19q; Colorectal cancer, susceptibility to, 10. Identifiers: Orphanet 220460, MedGen C2675481, MONDO:0012953, OMIM 612591.

Submission:

Myriad Genetics, Inc.
Classification: Likely benign for POLD1-related polyposis and colorectal cancer syndrome. Last evaluated: 2025-02-05. Review status: criteria provided, single submitter. Criteria: Myriad Autosomal Dominant, Autosomal Recessive and X-Linked Classification Criteria (2023). Collection method: clinical testing. Allele origin: unknown.
Comment: This variant is considered likely benign. This variant is intronic and is not expected to impact mRNA splicing.